The following is an entry in ClinVar:

ClinVar aggregate classification (germline): Uncertain significance (1 of 4 stars; one submission).

Submission:

GeneDx
Classification: Uncertain significance. Last evaluated: 2022-05-10. Review status: criteria provided, single submitter. Criteria: GeneDx Variant Classification Process June 2021. Collection method: clinical testing. Allele origin: germline. Affected: yes.
Comment: Frameshift variant predicted to result in protein truncation as the last 257 amino acids are replaced with 25 different amino acids, although loss-of-function variants have not been reported downstream of this position in the protein; Not observed at significant frequency in large population cohorts (gnomAD); Has not been previously published as pathogenic or benign to our knowledge

NM_001069.3(TUBB2A):c.561_564del (p.Val189fs)

Gene: TUBB2A (tubulin beta 2A class IIa; minus strand). Cytogenetic location: 6p25.2.
Variant type: Microsatellite.
Coding change: c.561_564del on transcript NM_001069.3 (MANE Select); coding-DNA positions 561 to 564, 4 bases deleted (CTCT; older notation c.561_564delCTCT).
Protein change: p.Val189fs; shifts the reading frame from valine 189.
Molecular consequence: frameshift variant.
Genome position (GRCh38, 1-based): chr6:3,154,637-3,154,640, AGAG deleted on the plus strand (CTCT on the coding strand, the reverse complement: TUBB2A is on the minus strand); deleting any 4 consecutive bases within chr6:3,154,637-3,154,642 gives the same sequence; the c. name uses the placement nearest the transcript's 3' end. VCF-style (leftmost placement, unchanged base first): chr6-3154636-CAGAG-C. GRCh37 (hg19) VCF-style: chr6-3154870-CAGAG-C.
Other names: c.306_309del, p.Val104fs (NM_001310315.2); short protein forms V104fs, V189fs.
Identifiers: ClinVar variation 1723748 (VCV001723748.2), dbSNP rs2533524845, ClinGen allele CA2580614819.